The following is an entry in ClinVar:

ClinVar aggregate classification (germline): Benign. Review status: criteria provided, multiple submitters, no conflicts (2 of 4 stars). 3 submissions from 3 submitters: Benign (2). 1 of the submissions does not count toward it. Last evaluated 2019-12-31.

Conditions:
NCOR1-related disorder. Also called: NCOR1-related condition.

Allele frequency attached by ClinVar (database versions not stated): gnomAD exomes 0.00102 and 0.00260; ExAC 0.00307; 1000 Genomes Project 0.01038; gnomAD 0.01045 and 0.01120; ESP Exome Variant Server 0.01107; TOPMed 0.01177; 1000 Genomes Project 30x 0.01202.
gnomAD v4.1: 3,170 of 1,614,074 alleles (0.2%); highest among the groups gnomAD compares: African/African-American, 3.5%; 52 homozygotes.

Submissions (3):

Labcorp Genetics (formerly Invitae), Labcorp
Classification: Benign. Last evaluated: 2019-12-31. Review status: criteria provided, single submitter. Criteria: Invitae Variant Classification Sherloc (09022015). Collection method: clinical testing. Allele origin: germline.

Breakthrough Genomics
Classification: Benign. Review status: criteria provided, single submitter. Criteria: ACMG Guidelines, 2015. Collection method: not provided. Allele origin: germline. Inheritance: Unknown mechanism. Affected: yes.

PreventionGenetics, part of Exact Sciences
Classification: Benign for NCOR1-related condition. Last evaluated: 2019-06-07. Review status: no assertion criteria provided. Collection method: clinical testing. Allele origin: germline. Not counted in ClinVar's aggregate classification.
Comment: This variant is classified as benign based on ACMG/AMP sequence variant interpretation guidelines (Richards et al. 2015 PMID: 25741868, with internal and published modifications).

NM_006311.4(NCOR1):c.4044G>A (p.Gly1348=)

Gene: NCOR1 (nuclear receptor corepressor 1; minus strand). Cytogenetic location: 17p12.
Variant type: single nucleotide variant.
Coding change: c.4044G>A on transcript NM_006311.4 (MANE Select); coding-DNA position 4044, G replaced by A.
Protein change: p.Gly1348=; no amino-acid change (glycine 1348 retained).
Molecular consequence: synonymous variant.
Genome position (GRCh38, 1-based): chr17:16,071,517, C>T on the plus strand (G>A on the coding strand, the complement: NCOR1 is on the minus strand). VCF-style: chr17-16071517-C-T. GRCh37 (hg19) VCF-style: chr17-15974831-C-T.
Other names: c.4092G>A, p.Gly1364= (NM_001190440.2).
Identifiers: ClinVar variation 768834 (VCV000768834.7), dbSNP rs79693855, ClinGen allele CA8408594.
Genomic context (GRCh38, chr17:16,071,517, plus strand): 5'-TGGAGTTTTCCGACTTTCCTGAGTTAAAATATCTTGCCTTGGAATCTCATGAATGGAACG[C>T]CCCATTTCTTTGATGGTGGTGATGCCATCATATGGTTTTCCTTTGGTAATGGCACCTTCA-3'
Protein context (NP_006302.2, residues 1338-1358): YDGITTIKEM[Gly1348=]RSIHEIPRQD